The following is an entry in ClinVar:

ClinVar aggregate classification (germline): Uncertain significance. Review status: criteria provided, multiple submitters, no conflicts (2 of 4 stars). 2 submissions from 2 submitters: Uncertain significance (2). Last evaluated 2025-01-13.

Allele frequency attached by ClinVar (database versions not stated): gnomAD exomes 0.00001 and 0.00002; ExAC 0.00002; gnomAD 0.00009 and 0.00013; TOPMed 0.00009; 1000 Genomes Project 0.00020; 1000 Genomes Project 30x 0.00031.
gnomAD v4.1: 59 of 1,611,036 alleles (0.0037%); highest among the groups gnomAD compares: African/African-American, 0.056%; 2 homozygotes.

Submissions (2):

Labcorp Genetics (formerly Invitae), Labcorp
Classification: Uncertain significance. Last evaluated: 2025-01-13. Review status: criteria provided, single submitter. Criteria: Invitae Variant Classification Sherloc (09022015). Collection method: clinical testing. Allele origin: germline.
Comment: This sequence change replaces leucine, which is neutral and non-polar, with valine, which is neutral and non-polar, at codon 302 of the CDCA7 protein (p.Leu302Val). This variant is present in population databases (rs113040501, gnomAD 0.03%). This variant has not been reported in the literature in individuals affected with CDCA7-related conditions. ClinVar contains an entry for this variant (Variation ID: 1478877). Invitae Evidence Modeling of protein sequence and biophysical properties (such as structural, functional, and spatial information, amino acid conservation, physicochemical variation, residue mobility, and thermodynamic stability) indicates that this missense variant is not expected to disrupt CDCA7 protein function with a negative predictive value of 80%. In summary, the available evidence is currently insufficient to determine the role of this variant in disease. Therefore, it has been classified as a Variant of Uncertain Significance.

Ambry Genetics
Classification: Uncertain significance. Last evaluated: 2024-08-20. Review status: criteria provided, single submitter. Criteria: Ambry Variant Classification Scheme 2023. Collection method: clinical testing. Allele origin: germline.

NM_031942.5(CDCA7):c.904C>G (p.Leu302Val)

Gene: CDCA7 (cell division cycle associated 7; plus strand). Cytogenetic location: 2q31.1.
Variant type: single nucleotide variant.
Coding change: c.904C>G on transcript NM_031942.5 (MANE Select); coding-DNA position 904, C replaced by G.
Protein change: p.Leu302Val; replaces leucine 302 with valine.
Molecular consequence: missense variant.
Genome position (GRCh38, 1-based): chr2:173,365,461, C>G. VCF-style: chr2-173365461-C-G. GRCh37 (hg19) VCF-style: chr2-174230189-C-G.
Other names: c.667C>G, p.Leu223Val (NM_145810.3); c.904C>G (NM_031942.4); short protein forms L223V, L302V.
Identifiers: ClinVar variation 1478877 (VCV001478877.8), dbSNP rs113040501, ClinGen allele CA1971385.
Genomic context (GRCh38, chr2:173,365,461, plus strand): 5'-TTTCAGTTTTTCAGTTTTGAAGTTCTGTGTTTTGTATTCCTTGTAATGCAGGAAGATGAC[C>G]TGCCCAGAAGCCGTCGCTCCAGATCATCCGTGACCCTTCCGCATATAATTCGCCCAGTGG-3'
Protein context (NP_114148.3, residues 292-312): TVDGYMNEDD[Leu302Val]PRSRRSRSSV